The following is an entry in ClinVar:

ClinVar aggregate classification (germline): Uncertain significance (1 of 4 stars; one submission).

Conditions:
Dystonia 16 (DYT16). Also called: DYT-PRKRA. Identifiers: Orphanet 210571, MedGen C2677567, MONDO:0012789, OMIM 612067.

Submission:

Neuberg Centre For Genomic Medicine, NCGM
Classification: Uncertain significance for Dystonia 16. Review status: criteria provided, single submitter. Criteria: ACMG Guidelines, 2015. Collection method: clinical testing. Allele origin: germline. Inheritance: Autosomal recessive inheritance. Affected: yes.
Comment: The in-frame insertion p.K85dup in PRKRA (NM_003690.5) has not been reported previously as a pathogenic variant nor as a benign variant, to our knowledge. The p.K85dup variant is novel (not in any individuals) in gnomAD Exomes and is novel (not in any individuals) in 1000 Genomes. This insertion results in the addition of a lysine at position 86 of the PRKRA gene. However, as this is an in-frame insertion, it is not expected to result in either a truncated protein product or loss of protein through nonsense-mediated mRNA decay. The nucleotide c.256 in PRKRA is predicted conserved by GERP++ and PhyloP across 100 vertebrates. For these reasons, this variant has been classified as Uncertain Significance.

NM_003690.5(PRKRA):c.250AAG[3] (p.Lys85_Leu86insLys)

Gene: PRKRA (protein activator of interferon induced protein kinase EIF2AK2; minus strand). Cytogenetic location: 2q31.2.
Variant type: Microsatellite.
Coding change: c.250AAG[3] on transcript NM_003690.5 (MANE Select); three copies in a row of the 3-base unit AAG starting at c.250; the reference has two copies in a row; one copy, 3 bases duplicated.
Protein change: p.Lys85_Leu86insLys.
Molecular consequence: inframe insertion. On other transcripts: inframe indel (2), 5 prime UTR variant (1).
Genome position (GRCh38, 1-based): chr2:178,447,567-178,447,569, CTT duplicated on the plus strand (AAG on the coding strand, the reverse complement: PRKRA is on the minus strand); duplicating any 3 consecutive bases within chr2:178,447,567-178,447,572 gives the same sequence; the position shown is the placement nearest the transcript's 3' end. VCF-style (leftmost placement, unchanged base first): chr2-178447566-G-GCTT. GRCh37 (hg19) VCF-style: chr2-179312293-G-GCTT.
Other names: c.217_219AAG[3], p.Lys74_Leu75insLys (NM_001139517.2); c.175_177AAG[3], p.Lys60_Leu61insLys (NM_001139518.2); c.-200AAG[3] (NM_001316362.2).
Identifiers: ClinVar variation 2627512 (VCV002627512.1), dbSNP rs2468676965, ClinGen allele CA2582342025.
Genomic context (GRCh38, chr2:178,447,566, plus strand): 5'-AAATACTTGCATTGGCTTTCAAAATGTTTATGGCAGCCTCTGCAGCTCTATGTTTCGCCA[G>GCTT]CTTCTTACTTGTACCTTCACCTGAATTAAGATTTAAAAAAAGAAGTCTTTATCTCCCACA-3'